The following is an entry in ClinVar:

ClinVar aggregate classification (germline): Uncertain significance (1 of 4 stars; one submission).

Submission:

New York Genome Center
Classification: Uncertain significance. Last evaluated: 2023-06-10. Review status: criteria provided, single submitter. Criteria: NYGC Assertion Criteria 2020. Collection method: clinical testing. Allele origin: germline. Observed: 1 hemizygote.

NM_001256155.3(ARMCX4):c.134T>C (p.Val45Ala)

Gene: ARMCX4 (armadillo repeat containing X-linked 4; plus strand). Cytogenetic location: Xq22.1.
Variant type: single nucleotide variant.
Coding change: c.134T>C on transcript NM_001256155.3 (MANE Select); coding-DNA position 134, T replaced by C.
Protein change: p.Val45Ala; replaces valine 45 with alanine.
Molecular consequence: missense variant. On other transcripts: non-coding transcript variant (3).
Genome position (GRCh38, 1-based): chrX:101,488,723, T>C. VCF-style: chrX-101488723-T-C. GRCh37 (hg19) VCF-style: chrX-100743710-T-C.
Other names: short protein forms V45A.
Identifiers: ClinVar variation 2665042 (VCV002665042.2), dbSNP rs2521590088, ClinGen allele CA413943505.
Genomic context (GRCh38, chrX:101,488,723, plus strand): 5'-ACAAATTTACCAAGGGAAGAGCCCAGAGTGTGAGGACTCTTGCCAGAAATGGATCCACAG[T>C]TAAGATGGAGACTGTGGTTGGGGTACAGAGCCAGACCTTGGCCATAAATGAAGCAGAGAT-3'
Protein context (NP_001243084.2, residues 35-55): VRTLARNGST[Val45Ala]KMETVVGVQS